The following is an entry in ClinVar:

NM_001384732.1(CPLANE1):c.1573T>C (p.Cys525Arg)

Gene: CPLANE1 (ciliogenesis and planar polarity effector complex subunit 1; minus strand). Cytogenetic location: 5p13.2.
Variant type: single nucleotide variant.
Coding change: c.1573T>C on transcript NM_001384732.1 (MANE Select); coding-DNA position 1573, T replaced by C.
Protein change: p.Cys525Arg; replaces cysteine 525 with arginine.
Molecular consequence: missense variant.
Genome position (GRCh38, 1-based): chr5:37,227,022, A>G on the plus strand (T>C on the coding strand, the complement: CPLANE1 is on the minus strand). VCF-style: chr5-37227022-A-G. GRCh37 (hg19) VCF-style: chr5-37227124-A-G.
Other names: c.1573T>C (NM_023073.3); c.1573T>C, p.Cys525Arg (NM_023073.4); short protein forms C525R.
Identifiers: ClinVar variation 1513183 (VCV001513183.5), dbSNP rs1371369898, ClinGen allele CA359501528.

ClinVar aggregate classification (germline): Uncertain significance. Review status: criteria provided, multiple submitters, no conflicts (2 of 4 stars). 2 submissions from 2 submitters: Uncertain significance (2). Last evaluated 2026-04-11.

Conditions:
Inborn genetic diseases. Identifiers: MedGen C0950123, MeSH D030342.

Allele frequency attached by ClinVar (database versions not stated): gnomAD 0.00001; gnomAD exomes 0.00001.
gnomAD v4.1: 8 of 1,548,684 alleles (0.00052%); highest among the groups gnomAD compares: Non-Finnish European, 0.00044%; no homozygotes.

Submissions (2):

Ambry Genetics
Classification: Uncertain significance for Inborn genetic diseases. Last evaluated: 2026-04-11. Review status: criteria provided, single submitter. Criteria: Ambry Variant Classification Scheme 2023. Collection method: clinical testing. Allele origin: germline.

Labcorp Genetics (formerly Invitae), Labcorp
Classification: Uncertain significance. Last evaluated: 2022-03-10. Review status: criteria provided, single submitter. Criteria: Invitae Variant Classification Sherloc (09022015). Collection method: clinical testing. Allele origin: germline.
Comment: In summary, the available evidence is currently insufficient to determine the role of this variant in disease. Therefore, it has been classified as a Variant of Uncertain Significance. Advanced modeling of protein sequence and biophysical properties (such as structural, functional, and spatial information, amino acid conservation, physicochemical variation, residue mobility, and thermodynamic stability) performed at Invitae indicates that this missense variant is not expected to disrupt CPLANE1 protein function. This variant has not been reported in the literature in individuals affected with CPLANE1-related conditions. This variant is present in population databases (no rsID available, gnomAD 0.002%). This sequence change replaces cysteine, which is neutral and slightly polar, with arginine, which is basic and polar, at codon 525 of the CPLANE1 protein (p.Cys525Arg).